The following is an entry in ClinVar:

NM_001384474.1(LOXHD1):c.631G>T (p.Glu211Ter)

Gene: LOXHD1 (lipoxygenase homology PLAT domains 1; minus strand). Cytogenetic location: 18q21.1.
Variant type: single nucleotide variant.
Coding change: c.631G>T on transcript NM_001384474.1 (MANE Select); coding-DNA position 631, G replaced by T.
Protein change: p.Glu211Ter; replaces glutamic acid 211 with a stop codon.
Molecular consequence: nonsense.
Genome position (GRCh38, 1-based): chr18:46,610,904, C>A on the plus strand (G>T on the coding strand, the complement: LOXHD1 is on the minus strand). VCF-style: chr18-46610904-C-A. GRCh37 (hg19) VCF-style: chr18-44190867-C-A.
Other names: c.631G>T (NM_144612.6); c.631G>T, p.Glu211Ter (NM_144612.7); short protein forms E211*.
Identifiers: ClinVar variation 2982391 (VCV002982391.5), dbSNP rs963202921, ClinGen allele CA299807236.
Genomic context (GRCh38, chr18:46,610,904, plus strand): 5'-CCAAATCCGGGGCATCCAGGATGAACCTGTCTTCAGCTCCCTTTTCAAAGTTGTCCTTTT[C>A]ATTTTCTAGCCTACGCTCCCCTGTATGCACAGACATACAAAAGAAATTACAAAAAGACCA-3'

ClinVar aggregate classification (germline): Pathogenic/Likely pathogenic. Review status: criteria provided, multiple submitters, no conflicts (2 of 4 stars). 3 submissions from 3 submitters: Pathogenic (2); Likely pathogenic (1). Last evaluated 2025-02-24.

Conditions:
Autosomal recessive nonsyndromic hearing loss 77. Identifiers: Orphanet 90636, MedGen C2746083, MONDO:0013119, OMIM 613079.

Allele frequency attached by ClinVar (database versions not stated): TOPMed 0.00001; gnomAD 0.00003.
gnomAD v4.1: 4 of 1,551,768 alleles (0.00026%); highest among the groups gnomAD compares: Admixed American, 0.0078%; no homozygotes.

Submissions (3):

Natera, Inc.
Classification: Likely pathogenic for Autosomal recessive deafness type 77. Last evaluated: 2025-02-24. Review status: criteria provided, single submitter. Criteria: Natera Variant Classification Schema (03/2026). Collection method: clinical testing. Allele origin: germline.
Comment: The c.631G>T variant in LOXHD1 is a nonsense variant predicted to introduce a stop codon at amino acid 211. This variant is expected to result in nonsense mediated decay, truncation, or a dysfunctional protein product. This variant is rare in the general population with a frequency below the threshold expected for the associated phenotype(s). Given the available evidence, this variant is classified as Likely Pathogenic.

GeneDx
Classification: Pathogenic. Last evaluated: 2025-01-17. Review status: criteria provided, single submitter. Criteria: GeneDx Variant Classification Process June 2021. Collection method: clinical testing. Allele origin: germline. Affected: yes.
Comment: Reported in published literature but no clinical information is provided (PMID: 31980526); Nonsense variant predicted to result in protein truncation or nonsense mediated decay in a gene for which loss of function is a known mechanism of disease; Not observed at a significant frequency in large population cohorts (gnomAD); This variant is associated with the following publications: (PMID: 31980526)

Labcorp Genetics (formerly Invitae), Labcorp
Classification: Pathogenic. Last evaluated: 2024-02-14. Review status: criteria provided, single submitter. Criteria: Invitae Variant Classification Sherloc (09022015). Collection method: clinical testing. Allele origin: germline.
Comment: This sequence change creates a premature translational stop signal (p.Glu211*) in the LOXHD1 gene. It is expected to result in an absent or disrupted protein product. Loss-of-function variants in LOXHD1 are known to be pathogenic (PMID: 19732867, 21465660, 25792669). This variant is present in population databases (no rsID available, gnomAD 0.1%). This premature translational stop signal has been observed in individual(s) with deafness (PMID: 31980526). For these reasons, this variant has been classified as Pathogenic.

Literature cited by the submitters: PubMed 19732867 (cited by Labcorp Genetics (formerly Invitae), Labcorp); PubMed 21465660 (cited by Labcorp Genetics (formerly Invitae), Labcorp); PubMed 25792669 (cited by Labcorp Genetics (formerly Invitae), Labcorp); PubMed 31980526 (cited by Labcorp Genetics (formerly Invitae), Labcorp).